The following is an entry in ClinVar:

ClinVar aggregate classification (germline): Uncertain significance. Review status: criteria provided, multiple submitters, no conflicts (2 of 4 stars). 2 submissions from 2 submitters: Uncertain significance (2). Last evaluated 2026-01-05.

Conditions:
Inborn genetic diseases. Identifiers: MedGen C0950123, MeSH D030342.

Allele frequency attached by ClinVar (database versions not stated): gnomAD exomes 0.00001.
gnomAD v4.1: 3 of 1,614,130 alleles (0.00019%); highest among the groups gnomAD compares: Non-Finnish European, 0.00025%; no homozygotes.

Submissions (2):

Ambry Genetics
Classification: Uncertain significance for Inborn genetic diseases. Last evaluated: 2026-01-05. Review status: criteria provided, single submitter. Criteria: Ambry Variant Classification Scheme 2023. Collection method: clinical testing. Allele origin: germline.

Labcorp Genetics (formerly Invitae), Labcorp
Classification: Uncertain significance. Last evaluated: 2024-09-03. Review status: criteria provided, single submitter. Criteria: Invitae Variant Classification Sherloc (09022015). Collection method: clinical testing. Allele origin: germline.
Comment: This sequence change replaces isoleucine, which is neutral and non-polar, with valine, which is neutral and non-polar, at codon 3496 of the TRRAP protein (p.Ile3496Val). This variant is not present in population databases (gnomAD no frequency). This variant has not been reported in the literature in individuals affected with TRRAP-related conditions. ClinVar contains an entry for this variant (Variation ID: 2129385). Invitae Evidence Modeling of protein sequence and biophysical properties (such as structural, functional, and spatial information, amino acid conservation, physicochemical variation, residue mobility, and thermodynamic stability) indicates that this missense variant is not expected to disrupt TRRAP protein function with a negative predictive value of 80%. In summary, the available evidence is currently insufficient to determine the role of this variant in disease. Therefore, it has been classified as a Variant of Uncertain Significance.

NM_001375524.1(TRRAP):c.10615A>G (p.Ile3539Val)

Gene: TRRAP (transformation/transcription domain associated protein; plus strand). Cytogenetic location: 7q22.1.
Variant type: single nucleotide variant.
Coding change: c.10615A>G on transcript NM_001375524.1 (MANE Select); coding-DNA position 10615, A replaced by G.
Protein change: p.Ile3539Val; replaces isoleucine 3539 with valine.
Molecular consequence: missense variant.
Genome position (GRCh38, 1-based): chr7:99,005,210, A>G. VCF-style: chr7-99005210-A-G. GRCh37 (hg19) VCF-style: chr7-98602833-A-G.
Other names: c.10573A>G, p.Ile3525Val (NM_001244580.2); c.10486A>G, p.Ile3496Val (NM_003496.4); c.10573A>G (NM_001244580.1); short protein forms I3496V, I3539V, I3525V.
Identifiers: ClinVar variation 2129385 (VCV002129385.5), dbSNP rs2485059985, ClinGen allele CA368338019.